The following is an entry in ClinVar:

ClinVar aggregate classification (germline): Pathogenic (1 of 4 stars; one submission).

Submission:

Labcorp Genetics (formerly Invitae), Labcorp
Classification: Pathogenic. Last evaluated: 2025-02-13. Review status: criteria provided, single submitter. Criteria: Invitae Variant Classification Sherloc (09022015). Collection method: clinical testing. Allele origin: germline.
Comment: This sequence change creates a premature translational stop signal (p.Glu218*) in the YARS2 gene. It is expected to result in an absent or disrupted protein product. Loss-of-function variants in YARS2 are known to be pathogenic (PMID: 20598274, 24344687, 25638461). This variant is not present in population databases (gnomAD no frequency). This variant has not been reported in the literature in individuals affected with YARS2-related conditions. For these reasons, this variant has been classified as Pathogenic.

Literature cited by the submitters: PubMed 20598274; PubMed 24344687; PubMed 25638461.

NM_001040436.3(YARS2):c.652G>T (p.Glu218Ter)

Gene: YARS2 (tyrosyl-tRNA synthetase 2; minus strand). Cytogenetic location: 12p11.21.
Variant type: single nucleotide variant.
Coding change: c.652G>T on transcript NM_001040436.3 (MANE Select); coding-DNA position 652, G replaced by T.
Protein change: p.Glu218Ter; replaces glutamic acid 218 with a stop codon.
Molecular consequence: nonsense.
Genome position (GRCh38, 1-based): chr12:32,755,223, C>A on the plus strand (G>T on the coding strand, the complement: YARS2 is on the minus strand). VCF-style: chr12-32755223-C-A. GRCh37 (hg19) VCF-style: chr12-32908157-C-A.
Other names: short protein forms E218*.
Identifiers: ClinVar variation 4770801 (VCV004770801.1).